The following is an entry in ClinVar:

NM_000504.4(F10):c.1252G>C (p.Asp418His)

Genes: F10 (coagulation factor X; plus strand), F10-AS2 (F10 antisense RNA 2; minus strand). Cytogenetic location: 13q34.
Variant type: single nucleotide variant.
Coding change: c.1252G>C on transcript NM_000504.4 (MANE Select); coding-DNA position 1252, G replaced by C.
Protein change: p.Asp418His; replaces aspartic acid 418 with histidine.
Molecular consequence: missense variant. On other transcripts: 3 prime UTR variant (1).
Genome position (GRCh38, 1-based): chr13:113,149,302, G>C. VCF-style: chr13-113149302-G-C. GRCh37 (hg19) VCF-style: chr13-113803616-G-C.
Other names: c.1120G>C, p.Asp374His (NM_001312674.2); c.*243G>C (NM_001312675.2); short protein forms D374H, D418H.
Identifiers: ClinVar variation 1684309 (VCV001684309.23), dbSNP rs2138557799, ClinGen allele CA388793945.

ClinVar aggregate classification (germline): Likely pathogenic. Review status: criteria provided, single submitter (1 of 4 stars). 2 submissions from 2 submitters: Likely pathogenic (1). 1 of the submissions does not count toward it. Last evaluated 2023-05-05.

Conditions:
Hereditary factor X deficiency disease. Also called: Congenital factor X deficiency; STUART-PROWER FACTOR DEFICIENCY. Identifiers: Orphanet 328, MedGen C0272327, MONDO:0009212, OMIM 227600.

Submissions (2):

Dr. Zeinali's Medical Genetics Lab, Kawsar Human Genetics Research Center
Classification: Likely pathogenic for Hereditary factor X deficiency disease. Last evaluated: 2023-05-05. Review status: criteria provided, single submitter. Criteria: ACMG Guidelines, 2015. Collection method: clinical testing. Allele origin: inherited. Affected: yes. Observed: 4 variant alleles. Clinical features observed: Intramuscular hematoma (HP:0012233), Epistaxis (HP:0000421), Reduced factor X activity (HP:0008321), Joint hemorrhage (HP:0005261), Prolonged partial thromboplastin time (HP:0003645), Prolonged bleeding after dental extraction (HP:0006298), Prolonged prothrombin time (HP:0008151), Autosomal recessive inheritance (HP:0000007), Oral cavity bleeding (HP:0030140).

ISTH-SSC Genomics in Thrombosis and Hemostasis, KU Leuven, Center for Molecular and Vascular Biology
Classification: Likely pathogenic for Hereditary factor X deficiency disease. Review status: no assertion criteria provided. Collection method: research. Allele origin: unknown. Affected: yes. Not counted in ClinVar's aggregate classification.
Comment: Submitted to GoldVariant by Dr Karyn Mégy from NIHR Bioresource - Cambridge University, UK